The following is an entry in ClinVar:

ClinVar aggregate classification (germline): Uncertain significance (1 of 4 stars; one submission).

Allele frequency attached by ClinVar (database versions not stated): gnomAD 0.00001; 1000 Genomes Project 0.00020; 1000 Genomes Project 30x 0.00031.
gnomAD v4.1: 1 of 1,614,048 alleles (0.000062%); highest among the groups gnomAD compares: Admixed American, 0.0017%; no homozygotes.

Submission:

Labcorp Genetics (formerly Invitae), Labcorp
Classification: Uncertain significance. Last evaluated: 2022-04-12. Review status: criteria provided, single submitter. Criteria: Invitae Variant Classification Sherloc (09022015). Collection method: clinical testing. Allele origin: germline.
Comment: In summary, the available evidence is currently insufficient to determine the role of this variant in disease. Therefore, it has been classified as a Variant of Uncertain Significance. Algorithms developed to predict the effect of missense changes on protein structure and function (SIFT, PolyPhen-2, Align-GVGD) all suggest that this variant is likely to be tolerated. This variant has not been reported in the literature in individuals affected with RINT1-related conditions. This variant is not present in population databases (gnomAD no frequency). This sequence change replaces methionine, which is neutral and non-polar, with leucine, which is neutral and non-polar, at codon 378 of the RINT1 protein (p.Met378Leu).

NM_021930.6(RINT1):c.1132A>T (p.Met378Leu)

Gene: RINT1 (RAD50 interactor 1; plus strand). Cytogenetic location: 7q22.3.
Variant type: single nucleotide variant.
Coding change: c.1132A>T on transcript NM_021930.6 (MANE Select); coding-DNA position 1132, A replaced by T.
Protein change: p.Met378Leu; replaces methionine 378 with leucine.
Molecular consequence: missense variant. On other transcripts: non-coding transcript variant (1).
Genome position (GRCh38, 1-based): chr7:105,550,285, A>T. VCF-style: chr7-105550285-A-T. GRCh37 (hg19) VCF-style: chr7-105190732-A-T.
Other names: c.898A>T, p.Met300Leu (NM_001346599.2); c.109A>T, p.Met37Leu (NM_001346600.2, NM_001346603.2); c.208A>T, p.Met70Leu (NM_001346601.2); short protein forms M37L, M70L, M300L, M378L.
Identifiers: ClinVar variation 1355485 (VCV001355485.8), dbSNP rs548249931, ClinGen allele CA164057532.